The following is an entry in ClinVar:

NM_001365308.1(BMPER):c.541C>A (p.Pro181Thr)

Gene: BMPER (BMP binding endothelial regulator; plus strand). Cytogenetic location: 7p14.3.
Variant type: single nucleotide variant.
Coding change: c.541C>A on transcript NM_001365308.1 (MANE Select); coding-DNA position 541, C replaced by A.
Protein change: p.Pro181Thr; replaces proline 181 with threonine.
Molecular consequence: missense variant.
Genome position (GRCh38, 1-based): chr7:33,974,749, C>A. VCF-style: chr7-33974749-C-A. GRCh37 (hg19) VCF-style: chr7-34014361-C-A.
Other names: c.541C>A, p.Pro181Thr (NM_001410872.1, NM_133468.5); short protein forms P181T.
Identifiers: ClinVar variation 2114775 (VCV002114775.4), dbSNP rs2534136313, ClinGen allele CA367259479.

ClinVar aggregate classification (germline): Uncertain significance (1 of 4 stars; one submission).

Submission:

Labcorp Genetics (formerly Invitae), Labcorp
Classification: Uncertain significance. Last evaluated: 2022-03-20. Review status: criteria provided, single submitter. Criteria: Invitae Variant Classification Sherloc (09022015). Collection method: clinical testing. Allele origin: germline.
Comment: In summary, the available evidence is currently insufficient to determine the role of this variant in disease. Therefore, it has been classified as a Variant of Uncertain Significance. Algorithms developed to predict the effect of missense changes on protein structure and function are either unavailable or do not agree on the potential impact of this missense change (SIFT: "Deleterious"; PolyPhen-2: "Benign"; Align-GVGD: "Class C0"). This variant has not been reported in the literature in individuals affected with BMPER-related conditions. This variant is not present in population databases (gnomAD no frequency). This sequence change replaces proline, which is neutral and non-polar, with threonine, which is neutral and polar, at codon 181 of the BMPER protein (p.Pro181Thr).